The following is an entry in ClinVar:

ClinVar aggregate classification (germline): Pathogenic/Likely pathogenic. Review status: criteria provided, multiple submitters, no conflicts (2 of 4 stars). 2 submissions from 2 submitters: Pathogenic (1); Likely pathogenic (1). Last evaluated 2025-12-20.

Submissions (2):

Labcorp Genetics (formerly Invitae), Labcorp
Classification: Likely pathogenic. Last evaluated: 2025-12-20. Review status: criteria provided, single submitter. Criteria: Invitae Variant Classification Sherloc (09022015). Collection method: clinical testing. Allele origin: germline.
Comment: This sequence change affects an acceptor splice site in intron 43 of the COL2A1 gene. It is expected to disrupt RNA splicing. Variants that disrupt the donor or acceptor splice site typically lead to a loss of protein function (PMID: 16199547), and loss-of-function variants in COL2A1 are known to be pathogenic (PMID: 20179744). This variant is not present in population databases (gnomAD no frequency). This variant has not been reported in the literature in individuals affected with COL2A1-related conditions. ClinVar contains an entry for this variant (Variation ID: 1218409). Algorithms developed to predict the effect of sequence changes on RNA splicing suggest that this variant may disrupt the consensus splice site. In summary, the currently available evidence indicates that the variant is pathogenic, but additional data are needed to prove that conclusively. Therefore, this variant has been classified as Likely Pathogenic.

GeneDx
Classification: Pathogenic. Last evaluated: 2020-01-21. Review status: criteria provided, single submitter. Criteria: GeneDx Variant Classification Process June 2021. Collection method: clinical testing. Allele origin: germline. Affected: yes.
Comment: Not published as pathogenic or benign to our knowledge; Not observed in large population cohorts (Lek et al., 2016); Canonical splice site variant in a gene for which loss-of-function is a known mechanism of disease

Literature cited by the submitters: PubMed 16199547 (cited by Labcorp Genetics (formerly Invitae), Labcorp); PubMed 20179744 (cited by Labcorp Genetics (formerly Invitae), Labcorp).

NM_001844.5(COL2A1):c.3004-1G>A

Gene: COL2A1 (collagen type II alpha 1 chain; minus strand). Cytogenetic location: 12q13.11.
Variant type: single nucleotide variant.
Coding change: c.3004-1G>A on transcript NM_001844.5 (MANE Select); the canonical splice acceptor site of the intron before coding-DNA position 3004, G replaced by A.
Molecular consequence: splice acceptor variant.
Genome position (GRCh38, 1-based): chr12:47,978,118, C>T on the plus strand (G>A on the coding strand, the complement: COL2A1 is on the minus strand). VCF-style: chr12-47978118-C-T. GRCh37 (hg19) VCF-style: chr12-48371901-C-T.
Other names: c.2797-1G>A (NM_033150.3).
Identifiers: ClinVar variation 1218409 (VCV001218409.5), dbSNP rs2136525334, ClinGen allele CA384541029.